The following is an entry in ClinVar:

NM_000551.4(VHL):c.340+733G>C

Genes: VHL (von Hippel-Lindau tumor suppressor; plus strand), LOC107303340 (3p25 von Hippel-Lindau tumor suppressor, E3 ubiquitin protein ligase Alu-mediated recombination region; plus strand). Cytogenetic location: 3p25.3.
Variant type: single nucleotide variant.
Coding change: c.340+733G>C on transcript NM_000551.4 (MANE Select); 733 bases into the intron after coding-DNA position 340, G replaced by C.
Molecular consequence: intron variant. On other transcripts: synonymous variant (1).
Genome position (GRCh38, 1-based): chr3:10,142,920, G>C. VCF-style: chr3-10142920-G-C. GRCh37 (hg19) VCF-style: chr3-10184604-G-C.
Other names: c.498G>C, p.Leu166= (NM_001354723.2); c.340+733G>C (NM_198156.3).
Identifiers: ClinVar variation 1381597 (VCV001381597.6), dbSNP rs2125126040, ClinGen allele CA2573136126.

ClinVar aggregate classification (germline): Uncertain significance (1 of 4 stars; one submission).

Conditions:
Chuvash polycythemia. Also called: POLYCYTHEMIA, VHL-DEPENDENT. Identifiers: Orphanet 238557, MedGen C1837915, MONDO:0009892, OMIM 263400.
Von Hippel-Lindau syndrome (VHLS). Also called: Von Hippel-Lindau; von Hippel–Lindau syndrome; VHL syndrome. Identifiers: Orphanet 892, MedGen C0019562, MONDO:0008667, OMIM 193300. Disease mechanism: loss of function.

Submission:

Labcorp Genetics (formerly Invitae), Labcorp
Classification: Uncertain significance for Von Hippel-Lindau syndrome; Chuvash polycythemia. Last evaluated: 2021-09-16. Review status: criteria provided, single submitter. Criteria: Invitae Variant Classification Sherloc (09022015). Collection method: clinical testing. Allele origin: germline.
Comment: Experimental studies and prediction algorithms are not available or were not evaluated, and the functional significance of this variant is currently unknown. In summary, the available evidence is currently insufficient to determine the role of this variant in disease. Therefore, it has been classified as a Variant of Uncertain Significance. This variant has not been reported in the literature in individuals affected with VHL-related conditions. The frequency data for this variant in the population databases is considered unreliable, as metrics indicate insufficient coverage at this position in the ExAC database. This sequence change falls in intron 1 of the VHL gene. It is not expected to change the encoded amino acid sequence of the VHL protein. However, this sequence change falls within a cryptic exon in the VHL gene, known as exon E1’, which is naturally expressed at low levels in several human tissues (PMID: 29891534).

Literature cited by the submitters: PubMed 29891534.